The following is an entry in ClinVar:

NM_000059.4(BRCA2):c.6847C>A (p.Pro2283Thr)

Gene: BRCA2 (BRCA2 DNA repair associated; plus strand). Cytogenetic location: 13q13.1.
Variant type: single nucleotide variant.
Coding change: c.6847C>A on transcript NM_000059.4 (MANE Select); coding-DNA position 6847, C replaced by A.
Protein change: p.Pro2283Thr; replaces proline 2283 with threonine.
Molecular consequence: missense variant.
Genome position (GRCh38, 1-based): chr13:32,344,563, C>A. VCF-style: chr13-32344563-C-A. GRCh37 (hg19) VCF-style: chr13-32918700-C-A.
Other names: short protein forms P2283T.
Identifiers: ClinVar variation 462417 (VCV000462417.14), dbSNP rs80358909, ClinGen allele CA387792617.
Genomic context (GRCh38, chr13:32,344,563, plus strand): 5'-GAAATAAAACTGATATTATTTGCCTTAAAAACATATATGAAATATTTCTTTTTAGGAGAA[C>A]CCTCAATCAAAAGAAACTTATTAAATGAATTTGACAGGATAATAGAAAATCAAGAAAAAT-3'
Protein context (NP_000050.3, residues 2273-2293): RGEPLILVGE[Pro2283Thr]SIKRNLLNEF

ClinVar aggregate classification (germline): Conflicting classifications of pathogenicity. Review status: criteria provided, conflicting classifications (1 of 4 stars). 4 submissions from 4 submitters: Uncertain significance (3); Likely benign (1). Last evaluated 2024-06-10.

Conditions:
Hereditary breast ovarian cancer syndrome. Also called: Hereditary breast and ovarian cancer syndrome (HBOC); Hereditary breast and ovarian cancer syndrome; Breast and ovarian cancer; Hereditary breast and/or ovarian cancer syndrome; Hereditary breast and ovarian cancer; BRCA1- and BRCA2-Associated Hereditary Breast and Ovarian Cancer. Identifiers: Orphanet 145, MedGen C0677776, MeSH D061325, MONDO:0003582. Disease mechanism: loss of function.
Hereditary cancer-predisposing syndrome. Also called: Neoplastic Syndromes, Hereditary; Hereditary Cancer Syndrome; Hereditary neoplastic syndrome; Tumor predisposition. Identifiers: Orphanet 140162, MedGen C0027672, MeSH D009386, MONDO:0015356.

gnomAD v4.1: 2 of 1,519,106 alleles (0.00013%); highest among the groups gnomAD compares: Non-Finnish European, 0.00018%; no homozygotes.

Submissions (4):

German Consortium for Hereditary Breast and Ovarian Cancer, University Hospital Cologne
Classification: Likely benign for Hereditary breast ovarian cancer syndrome. Last evaluated: 2024-06-10. Review status: criteria provided, single submitter. Criteria: ClinGen BRCA2 V1.0.0. Collection method: curation. Allele origin: germline.
Comment: According to the ClinGen ENIGMA BRCA2 v1.0.0 criteria we chose these criteria: PM2 (supporting pathogenic): Absent from controls , BP1 (strong benign): outside a (potentially) clinically important functional domain AND no splicing predicted (SpliceAI ≤0.1).

Labcorp Genetics (formerly Invitae), Labcorp
Classification: Uncertain significance for Hereditary breast ovarian cancer syndrome. Last evaluated: 2024-03-20. Review status: criteria provided, single submitter. Criteria: Invitae Variant Classification Sherloc (09022015). Collection method: clinical testing. Allele origin: germline.
Comment: This sequence change replaces proline, which is neutral and non-polar, with threonine, which is neutral and polar, at codon 2283 of the BRCA2 protein (p.Pro2283Thr). This variant is not present in population databases (gnomAD no frequency). This missense change has been observed in individual(s) with ovarian cancer (PMID: 23683081). ClinVar contains an entry for this variant (Variation ID: 462417). Advanced modeling of protein sequence and biophysical properties (such as structural, functional, and spatial information, amino acid conservation, physicochemical variation, residue mobility, and thermodynamic stability) performed at Invitae indicates that this missense variant is not expected to disrupt BRCA2 protein function with a negative predictive value of 95%. In summary, the available evidence is currently insufficient to determine the role of this variant in disease. Therefore, it has been classified as a Variant of Uncertain Significance.

Ambry Genetics
Classification: Uncertain significance for Hereditary cancer-predisposing syndrome. Last evaluated: 2024-02-06. Review status: criteria provided, single submitter. Criteria: Ambry Variant Classification Scheme 2023. Collection method: clinical testing. Allele origin: germline.
Comment: The p.P2283T variant (also known as c.6847C>A), located in coding exon 11 of the BRCA2 gene, results from a C to A substitution at nucleotide position 6847. The proline at codon 2283 is replaced by threonine, an amino acid with highly similar properties. This alteration was observed in 1 of 256 families from northern Spain with breast and/or ovarian cancer; but the variant did not segregate with disease in the family, which had two case of ovarian cancer (Blay P et al. BMC Cancer 2013; 13:243). This amino acid position is highly conserved in available vertebrate species. In addition, the in silico prediction for this alteration is inconclusive. Since supporting evidence is limited at this time, the clinical significance of this alteration remains unclear.

Quest Diagnostics Nichols Institute San Juan Capistrano
Classification: Uncertain significance. Last evaluated: 2022-11-30. Review status: criteria provided, single submitter. Criteria: Quest Diagnostics criteria. Collection method: clinical testing. Allele origin: unknown.
Comment: It has not been reported in large, multi-ethnic general populations. In the published literature, the variant has been reported in individuals with a personal or family history of breast and/or ovarian cancer (PMIDs: 33471991 (2021) , 31853058 (2020), 23683081 (2013)), as well as in healthy individuals (PMID: 33471991 (2021)). Analysis of this variant using bioinformatics tools for the prediction of the effect of amino acid changes on protein structure and function yielded predictions that this variant is damaging. Based on the available information, we are unable to determine the clinical significance of this variant.

Literature cited by the submitters: PubMed 23683081 (cited by 3 submitters); PubMed 33471991 (cited by Quest Diagnostics Nichols Institute San Juan Capistrano); PubMed 31853058 (cited by Quest Diagnostics Nichols Institute San Juan Capistrano).